The following is an entry in ClinVar:

NM_031418.4(ANO3):c.2839C>T (p.Arg947Ter)

Gene: ANO3 (anoctamin 3; plus strand). Cytogenetic location: 11p14.2.
Variant type: single nucleotide variant.
Coding change: c.2839C>T on transcript NM_031418.4 (MANE Select); coding-DNA position 2839, C replaced by T.
Protein change: p.Arg947Ter; replaces arginine 947 with a stop codon.
Molecular consequence: nonsense.
Genome position (GRCh38, 1-based): chr11:26,660,337, C>T. VCF-style: chr11-26660337-C-T. GRCh37 (hg19) VCF-style: chr11-26681884-C-T.
Other names: c.3022C>T, p.Arg1008Ter (NM_001313726.2); c.2401C>T, p.Arg801Ter (NM_001313727.2); short protein forms R1008*, R947*, R801*.
Identifiers: ClinVar variation 2878057 (VCV002878057.3), dbSNP rs763228921, ClinGen allele CA5926630.

ClinVar aggregate classification (germline): Uncertain significance (1 of 4 stars; one submission).

Conditions:
Dystonic disorder. Also called: Dystonia. Identifiers: MedGen C0013421, MONDO:0003441, HP:0001332.

Allele frequency attached by ClinVar (database versions not stated): ExAC 0.00001.

Submission:

Labcorp Genetics (formerly Invitae), Labcorp
Classification: Uncertain significance for Dystonic disorder. Last evaluated: 2023-10-28. Review status: criteria provided, single submitter. Criteria: Invitae Variant Classification Sherloc (09022015). Collection method: clinical testing. Allele origin: germline.
Comment: This sequence change creates a premature translational stop signal (p.Arg947*) in the ANO3 gene. While this is not anticipated to result in nonsense mediated decay, it is expected to disrupt the last 35 amino acid(s) of the ANO3 protein. This variant is present in population databases (rs763228921, gnomAD 0.006%). This variant has not been reported in the literature in individuals affected with ANO3-related conditions. In summary, the available evidence is currently insufficient to determine the role of this variant in disease. Therefore, it has been classified as a Variant of Uncertain Significance.